The following is an entry in ClinVar:

ClinVar aggregate classification (germline): Uncertain significance (1 of 4 stars; one submission).

Conditions:
Argininosuccinate lyase deficiency. Also called: ARGININOSUCCINIC ACID LYASE DEFICIENCY; ASL DEFICIENCY; Argininosuccinic aciduria. Identifiers: Orphanet 23, MedGen C0268547, MONDO:0008815, OMIM 207900, HP:0025630.

Submission:

Labcorp Genetics (formerly Invitae), Labcorp
Classification: Uncertain significance for Argininosuccinate lyase deficiency. Last evaluated: 2021-07-14. Review status: criteria provided, single submitter. Criteria: Invitae Variant Classification Sherloc (09022015). Collection method: clinical testing. Allele origin: germline.
Comment: This sequence change falls in intron 15 of the ASL gene. It does not directly change the encoded amino acid sequence of the ASL protein. It affects a nucleotide within the consensus splice site of the intron. This variant is not present in population databases (ExAC no frequency). This variant has not been reported in the literature in individuals affected with ASL-related conditions. Nucleotide substitutions within the consensus splice site are a relatively common cause of aberrant splicing (PMID: 17576681, 9536098). Algorithms developed to predict the effect of sequence changes on RNA splicing suggest that this variant may disrupt the consensus splice site. In summary, the available evidence is currently insufficient to determine the role of this variant in disease. Therefore, it has been classified as a Variant of Uncertain Significance.

Literature cited by the submitters: PubMed 17576681; PubMed 9536098.

NM_000048.4(ASL):c.1143+6T>A

Gene: ASL (argininosuccinate lyase; plus strand). Cytogenetic location: 7q11.21.
Variant type: single nucleotide variant.
Coding change: c.1143+6T>A on transcript NM_000048.4 (MANE Select); 6 bases into the intron after coding-DNA position 1143, T replaced by A.
Molecular consequence: intron variant.
Genome position (GRCh38, 1-based): chr7:66,092,092, T>A. VCF-style: chr7-66092092-T-A. GRCh37 (hg19) VCF-style: chr7-65557079-T-A.
Other names: c.1143+6T>A (NM_001024943.2); c.1083+6T>A (NM_001024944.2); c.1065+6T>A (NM_001024946.2).
Identifiers: ClinVar variation 1484942 (VCV001484942.6), dbSNP rs2115760756, ClinGen allele CA2573142317.
Genomic context (GRCh38, chr7:66,092,092, plus strand): 5'-TCTCAGCCCCGACATGCTGGCCACTGACCTTGCCTATTACCTGGTCCGCAAAGGGGTAAG[T>A]GTGTAGCAGCCAGGGGGAGGGTGAGGAGATGGGGTGCCCCCCCCAGAGGGTGGGGGAGCT-3'